The following is an entry in ClinVar:

ClinVar aggregate classification (somatic clinical impact): Tier I - Strong (1 of 4 stars; one submission).

Conditions:
Atypical teratoid rhabdoid tumor. Also called: Atypical teratoid/rhabdoid tumor. Identifiers: Orphanet 99966, MedGen C1266184, MONDO:0020560, HP:0034401.

Submission:

Institute for Genomic Medicine (IGM) Clinical Laboratory, Nationwide Children's Hospital
Classification: Tier I - Strong for Atypical teratoid rhabdoid tumor. Assertion type: diagnostic. Clinical significance: supports diagnosis. Last evaluated: 2025-07-15. Review status: criteria provided, single submitter. Criteria: AMP/ASCO/CAP Guidelines, 2017. Collection method: clinical testing. Allele origin: somatic. Affected: yes.
Comment: Variant has Tier I (strong) clinical significance as a diagnostic inclusion criterion in atypical teratoid rhabdoid tumor, based on the following evidence: 1) Documented in one or more cancer databases (e.g., St. Jude Pecan, COSMIC, CIViC, OncoKB). 2) Appears in one or more well-established professional guidelines (e.g., World Health Organization [WHO]; National Comprehensive Cancer Network [NCCN]) as providing diagnostic, prognostic, or therapeutic information. 3) Information in the literature supports potential biologic effect of variant. 4) Diagnostic for a specific tumor type/classification according to professional guidelines (Evidence Level A; PMIDs: 22797305, 9892189, 9671307, 26923874, 23074045).

Literature cited by the submitters: PubMed 22797305; PubMed 9892189; PubMed 9671307; PubMed 26923874; PubMed 23074045.

NM_003073.5(SMARCB1):c.727C>T (p.Gln243Ter)

Gene: SMARCB1 (SWI/SNF related BAF chromatin remodeling complex subunit B1; plus strand). Cytogenetic location: 22q11.23.
Variant type: single nucleotide variant.
Coding change: c.727C>T on transcript NM_003073.5 (MANE Select); coding-DNA position 727, C replaced by T.
Protein change: p.Gln243Ter; replaces glutamine 243 with a stop codon.
Molecular consequence: nonsense.
Genome position (GRCh38, 1-based): chr22:23,816,868, C>T. VCF-style: chr22-23816868-C-T. GRCh37 (hg19) VCF-style: chr22-24159055-C-T.
Other names: c.700C>T, p.Gln234Ter (NM_001007468.3); c.754C>T, p.Gln252Ter (NM_001317946.2); c.781C>T, p.Gln261Ter (NM_001362877.2); short protein forms Q234*, Q243*, Q252*, Q261*.
Identifiers: ClinVar variation 4530290 (VCV004530290.1).